The following is an entry in ClinVar:

ClinVar aggregate classification (germline): Uncertain significance (1 of 4 stars; one submission).

Conditions:
Drash syndrome (DDS). Also called: NEPHROPATHY, WILMS TUMOR, AND GENITAL ANOMALIES; WILMS TUMOR AND PSEUDO- OR TRUE HERMAPHRODITISM. Identifiers: Orphanet 220, MedGen C0950121, MONDO:0008682, OMIM 194080.

Submission:

Victorian Clinical Genetics Services, Murdoch Childrens Research Institute
Classification: Uncertain significance for Drash syndrome. Last evaluated: 2024-10-28. Review status: criteria provided, single submitter. Criteria: ACMG Guidelines, 2015. Collection method: clinical testing. Allele origin: germline.
Comment: This variant is classified as VUS-3B. Evidence in support of pathogenic classification: Variant is absent from gnomAD (v2, v3 and v4). Additional information: Variant is predicted to result in a missense amino acid change from serine to lysine; This variant is heterozygous; This gene is associated with autosomal dominant disease; Multiple alternative amino acid changes at the same position have been observed in gnomAD (v2; highest allele count: 1 heterozygote(s), 0 homozygote(s)); This variant has no previous evidence of pathogenicity; No published segregation evidence has been identified for this variant; No published functional evidence has been identified for this variant; Other missense variant(s) comparable to the one identified in this case have inconclusive previous evidence for pathogenicity. p.(Ser102Arg), p.(Ser102Asn), p.(Ser102Gly) and p.(Ser102Thr) have been classified as a VUS on ClinVar; Variant is located in the annotated Wilm's tumour protein domain (NCBI); Missense variant with uninformative conservation; Dominant negative is a known mechanism of disease in this gene and is associated with Denys-Drash syndrome (MIM#194080); Frasier syndrome (MIM#136680); Meacham syndrome (MIM#608978) and nephrotic syndrome, type 4 (MIM#256370) (PMID: 32352694). Loss of function is a known mechanism of disease in this gene and is associated with Wilms tumour, type 1 (MIM#194070); Inheritance information for this variant is not currently available in this individual.

Literature cited by the submitters: PubMed 32352694.

NM_024426.6(WT1):c.305_306delinsAA (p.Ser102Lys)

Genes: WT1 (WT1 transcription factor; minus strand), LOC107982234 (WT1/WT1-AS bi-directional promoter region; plus strand). Cytogenetic location: 11p13.
Variant type: Indel.
Coding change: c.305_306delinsAA on transcript NM_024426.6 (MANE Select); coding-DNA positions 305 to 306, GC replaced by AA.
Protein change: p.Ser102Lys; replaces serine 102 with lysine.
Molecular consequence: missense variant. On other transcripts: non-coding transcript variant (2).
Genome position (GRCh38, 1-based): chr11:32,435,055-32,435,056, GC replaced by TT on the plus strand (GC replaced by AA on the coding strand, the reverse complement: WT1 is on the minus strand). VCF-style: chr11-32435055-GC-TT. GRCh37 (hg19) VCF-style: chr11-32456601-GC-TT.
Other names: c.305_306delinsAA, p.Ser102Lys (NM_000378.6, NM_001407044.1, NM_001407045.1 and 6 more transcripts); c.86_87delinsAA, p.Ser29Lys (NM_001429031.1, NM_001429032.1, NM_001429033.1 and 1 more transcripts); short protein forms S102K, S29K, S97K.
Identifiers: ClinVar variation 4531912 (VCV004531912.1).
Genomic context (GRCh38, chr11:32,435,055, plus strand): 5'-CCCGTAAGCCGAAGCGCCCGGGGGCGCAAAGTCCAGCACCGGCGCCCACTGCGCCGCGCC[GC>TT]TCACAGGCAGGGCACAGCCGCCGCCGCCACCCAGGGAGGGGACGGCGGGCAGCAGCGCGT-3'
Protein context (NP_077744.4, residues 92-112): GGGGGCALPV[Ser102Lys]GAAQWAPVLD